The following is an entry in ClinVar:

NM_001378183.1(PIEZO2):c.2004del (p.Glu668fs)

Gene: PIEZO2 (piezo type mechanosensitive ion channel component 2; minus strand). Cytogenetic location: 18p11.22.
Variant type: Deletion.
Coding change: c.2004del on transcript NM_001378183.1 (MANE Select); coding-DNA position 2004, one base deleted (G; older notation c.2004delG).
Protein change: p.Glu668fs; shifts the reading frame from glutamic acid 668.
Molecular consequence: frameshift variant.
Genome position (GRCh38, 1-based): chr18:10,789,244, C deleted on the plus strand (G on the coding strand, the reverse complement: PIEZO2 is on the minus strand). VCF-style (leftmost placement, unchanged base first): chr18-10789243-GC-G. GRCh37 (hg19) VCF-style: chr18-10789241-GC-G.
Other names: NM_022068.4:c.2004del; c.2004delG, p.Glu668Aspfs (NM_001410871.1); c.2004del, p.Glu668fs (NM_022068.4); short protein forms E668fs.
Identifiers: ClinVar variation 2412754 (VCV002412754.1), dbSNP rs1176993096, ClinGen allele CA628194848.

ClinVar aggregate classification (germline): Likely pathogenic (1 of 4 stars; one submission).

Conditions:
Arthrogryposis, distal, with impaired proprioception and touch (DAIPT). Identifiers: MedGen C4310692, MONDO:0014941, OMIM 617146.

Allele frequency attached by ClinVar (database versions not stated): gnomAD exomes below 0.00001.

Submission:

Broad Center for Mendelian Genomics, Broad Institute of MIT and Harvard
Classification: Likely pathogenic for Arthrogryposis, distal, with impaired proprioception and touch. Last evaluated: 2023-01-25. Review status: criteria provided, single submitter. Criteria: ACMG Guidelines, 2015. Collection method: curation. Allele origin: germline. Inheritance: Autosomal recessive inheritance.
Comment: The p.Glu668AspfsTer5 variant in PIEZO2 has not been previously reported in individuals with distal arthrogryposis with impaired proprioception and touch, but has been identified in 0.004% (1/24598) of Latino/Admixed American chromosomes by the Genome Aggregation Database (gnomAD; dbSNP ID: rs1176993096). Although this variant has been seen in the general population in a heterozygous state, its frequency is low enough to be consistent with a recessive carrier frequency. This variant is predicted to cause a frameshift, which alters the protein‚Äôs amino acid sequence beginning at position 668 and leads to a premature termination codon 5 amino acids downstream. This alteration is then predicted to lead to a truncated or absent protein. Loss of function of the PIEZO2 gene is strongly associated to autosomal recessive distal arthrogryposis with impaired proprioception and touch. In summary, although additional studies are required to fully establish its clinical significance, this variant is likely pathogenic for distal arthrogryposis with impaired proprioception and touch. ACMG/AMP Criteria applied: PVS1_Strong, PM2_Supporting, PM3_Supporting (Richards 2015).